The following is an entry in ClinVar:

NM_001286577.2(C2CD3):c.1315G>A (p.Asp439Asn)

Gene: C2CD3 (C2 domain containing 3 centriole elongation regulator; minus strand). Cytogenetic location: 11q13.4.
Variant type: single nucleotide variant.
Coding change: c.1315G>A on transcript NM_001286577.2 (MANE Select); coding-DNA position 1315, G replaced by A.
Protein change: p.Asp439Asn; replaces aspartic acid 439 with asparagine.
Molecular consequence: missense variant.
Genome position (GRCh38, 1-based): chr11:74,123,038, C>T on the plus strand (G>A on the coding strand, the complement: C2CD3 is on the minus strand). VCF-style: chr11-74123038-C-T. GRCh37 (hg19) VCF-style: chr11-73834083-C-T.
Other names: c.1315G>A, p.Asp439Asn (NM_015531.6); short protein forms D439N.
Identifiers: ClinVar variation 2888855 (VCV002888855.2), dbSNP rs200812791, ClinGen allele CA6182984.

ClinVar aggregate classification (germline): Uncertain significance (1 of 4 stars; one submission).

Allele frequency attached by ClinVar (database versions not stated): gnomAD exomes 0.00002; gnomAD 0.00003; TOPMed 0.00003; ExAC 0.00004.
gnomAD v4.1: 35 of 1,613,402 alleles (0.0022%); highest among the groups gnomAD compares: Middle Eastern, 0.05%; no homozygotes.

Submission:

Labcorp Genetics (formerly Invitae), Labcorp
Classification: Uncertain significance. Last evaluated: 2025-01-20. Review status: criteria provided, single submitter. Criteria: Invitae Variant Classification Sherloc (09022015). Collection method: clinical testing. Allele origin: germline.
Comment: This sequence change replaces aspartic acid, which is acidic and polar, with asparagine, which is neutral and polar, at codon 439 of the C2CD3 protein (p.Asp439Asn). This variant is present in population databases (rs200812791, gnomAD 0.006%). This variant has not been reported in the literature in individuals affected with C2CD3-related conditions. ClinVar contains an entry for this variant (Variation ID: 2888855). Invitae Evidence Modeling of protein sequence and biophysical properties (such as structural, functional, and spatial information, amino acid conservation, physicochemical variation, residue mobility, and thermodynamic stability) indicates that this missense variant is expected to disrupt C2CD3 protein function with a positive predictive value of 80%. In summary, the available evidence is currently insufficient to determine the role of this variant in disease. Therefore, it has been classified as a Variant of Uncertain Significance.